The following is an entry in ClinVar:

ClinVar aggregate classification (germline): Benign (1 of 4 stars; one submission).

Allele frequency attached by ClinVar (database versions not stated): 1000 Genomes Project 30x 0.27889; 1000 Genomes Project 0.28275; TOPMed 0.30278; gnomAD 0.31063 and 0.31140.
gnomAD v4.1: 47,251 of 151,698 alleles (31%); highest among the groups gnomAD compares: East Asian, 49%; 7,934 homozygotes.

Submission:

GeneDx
Classification: Benign. Last evaluated: 2018-06-16. Review status: criteria provided, single submitter. Criteria: GeneDx Variant Classification (06012015). Collection method: clinical testing. Allele origin: germline. Affected: yes.
Comment: This variant is considered likely benign or benign based on one or more of the following criteria: it is a conservative change, it occurs at a poorly conserved position in the protein, it is predicted to be benign by multiple in silico algorithms, and/or has population frequency not consistent with disease.

NM_001382.4(DPAGT1):c.643+276G>T

Gene: DPAGT1 (dolichyl-phosphate N-acetylglucosaminephosphotransferase 1; minus strand). Cytogenetic location: 11q23.3.
Variant type: single nucleotide variant.
Coding change: c.643+276G>T on transcript NM_001382.4 (MANE Select); 276 bases into the intron after coding-DNA position 643, G replaced by T.
Molecular consequence: intron variant.
Genome position (GRCh38, 1-based): chr11:119,099,986, C>A on the plus strand (G>T on the coding strand, the complement: DPAGT1 is on the minus strand). VCF-style: chr11-119099986-C-A. GRCh37 (hg19) VCF-style: chr11-118970696-C-A.
Identifiers: ClinVar variation 680552 (VCV000680552.1), dbSNP rs604714, ClinGen allele CA13399235.